The following is an entry in ClinVar:

ClinVar aggregate classification (germline): Uncertain significance (1 of 4 stars; one submission).

Submission:

Labcorp Genetics (formerly Invitae), Labcorp
Classification: Uncertain significance. Last evaluated: 2024-05-13. Review status: criteria provided, single submitter. Criteria: Invitae Variant Classification Sherloc (09022015). Collection method: clinical testing. Allele origin: germline.
Comment: This sequence change replaces lysine, which is basic and polar, with arginine, which is basic and polar, at codon 1247 of the SAMD9 protein (p.Lys1247Arg). This variant is not present in population databases (gnomAD no frequency). This variant has not been reported in the literature in individuals affected with SAMD9-related conditions. Advanced modeling of protein sequence and biophysical properties (such as structural, functional, and spatial information, amino acid conservation, physicochemical variation, residue mobility, and thermodynamic stability) performed at Invitae indicates that this missense variant is not expected to disrupt SAMD9 protein function with a negative predictive value of 95%. In summary, the available evidence is currently insufficient to determine the role of this variant in disease. Therefore, it has been classified as a Variant of Uncertain Significance.

NM_017654.4(SAMD9):c.3740A>G (p.Lys1247Arg)

Gene: SAMD9 (sterile alpha motif domain containing 9; minus strand). Cytogenetic location: 7q21.2.
Variant type: single nucleotide variant.
Coding change: c.3740A>G on transcript NM_017654.4 (MANE Select); coding-DNA position 3740, A replaced by G.
Protein change: p.Lys1247Arg; replaces lysine 1247 with arginine.
Molecular consequence: missense variant.
Genome position (GRCh38, 1-based): chr7:93,102,358, T>C on the plus strand (A>G on the coding strand, the complement: SAMD9 is on the minus strand). VCF-style: chr7-93102358-T-C. GRCh37 (hg19) VCF-style: chr7-92731671-T-C.
Other names: c.3740A>G, p.Lys1247Arg (NM_001193307.2); short protein forms K1247R.
Identifiers: ClinVar variation 3636733 (VCV003636733.2).